The following is an entry in ClinVar:

NM_032776.3(JMJD1C):c.4201T>C (p.Ser1401Pro)

Gene: JMJD1C (jumonji domain containing 1C; minus strand). Cytogenetic location: 10q21.3.
Variant type: single nucleotide variant.
Coding change: c.4201T>C on transcript NM_032776.3 (MANE Select); coding-DNA position 4201, T replaced by C.
Protein change: p.Ser1401Pro; replaces serine 1401 with proline.
Molecular consequence: missense variant. On other transcripts: non-coding transcript variant (1).
Genome position (GRCh38, 1-based): chr10:63,207,468, A>G on the plus strand (T>C on the coding strand, the complement: JMJD1C is on the minus strand). VCF-style: chr10-63207468-A-G. GRCh37 (hg19) VCF-style: chr10-64967228-A-G.
Other names: c.3655T>C, p.Ser1219Pro (NM_001282948.2, NM_001318154.2); c.3337T>C, p.Ser1113Pro (NM_001318153.2); c.4087T>C, p.Ser1363Pro (NM_001322252.2); c.3544T>C, p.Ser1182Pro (NM_001322254.2, NM_001322258.2); short protein forms S1401P, S1182P, S1363P, S1219P, S1113P.
Identifiers: ClinVar variation 574042 (VCV000574042.10), dbSNP rs769777913, ClinGen allele CA5518308.

ClinVar aggregate classification (germline): Uncertain significance (1 of 4 stars; one submission).

Conditions:
Early Myoclonic Encephalopathy. Identifiers: MedGen C0270855.

Allele frequency attached by ClinVar (database versions not stated): gnomAD 0.00001; ExAC 0.00002; TOPMed 0.00001; gnomAD exomes 0.00003.
gnomAD v4.1: 9 of 1,614,096 alleles (0.00056%); highest among the groups gnomAD compares: Admixed American, 0.015%; no homozygotes.

Submission:

Labcorp Genetics (formerly Invitae), Labcorp
Classification: Uncertain significance for Early Myoclonic Encephalopathy. Last evaluated: 2024-05-29. Review status: criteria provided, single submitter. Criteria: Invitae Variant Classification Sherloc (09022015). Collection method: clinical testing. Allele origin: germline.
Comment: This sequence change replaces serine, which is neutral and polar, with proline, which is neutral and non-polar, at codon 1401 of the JMJD1C protein (p.Ser1401Pro). This variant is present in population databases (rs769777913, gnomAD 0.03%). This variant has not been reported in the literature in individuals affected with JMJD1C-related conditions. ClinVar contains an entry for this variant (Variation ID: 574042). Advanced modeling of protein sequence and biophysical properties (such as structural, functional, and spatial information, amino acid conservation, physicochemical variation, residue mobility, and thermodynamic stability) performed at Invitae indicates that this missense variant is not expected to disrupt JMJD1C protein function with a negative predictive value of 80%. In summary, the available evidence is currently insufficient to determine the role of this variant in disease. Therefore, it has been classified as a Variant of Uncertain Significance.